The following is an entry in ClinVar:

ClinVar aggregate classification (germline): Conflicting classifications of pathogenicity. Review status: criteria provided, conflicting classifications (1 of 4 stars). 8 submissions from 8 submitters: Uncertain significance (6); Likely benign (2). Last evaluated 2026-01-12.

Conditions:
Cardiovascular phenotype. Identifiers: MedGen CN230736.
Catecholaminergic polymorphic ventricular tachycardia (CVPT). Also called: Catecholamine-induced polymorphic ventricular tachycardia. Identifiers: Orphanet 3286, MedGen C5574922, MONDO:0017990.
Cardiomyopathy (CMYO). Also called: Cardiomyopathies. Identifiers: Orphanet 167848, MedGen C0878544, MONDO:0004994, HP:0001638. Inheritance: Various modes of inheritance.
Catecholaminergic polymorphic ventricular tachycardia 1. Also called: VENTRICULAR TACHYCARDIA, STRESS-INDUCED POLYMORPHIC 1; VENTRICULAR TACHYCARDIA, CATECHOLAMINERGIC POLYMORPHIC, 1, WITH OR WITHOUT ATRIAL DYSFUNCTION AND/OR DILATED CARDIOMYOPATHY; RYR2-Related Catecholaminergic Polymorphic Ventricular Tachycardia. Identifiers: Orphanet 3286, MedGen C1631597, MONDO:0011484, OMIM 604772.

Allele frequency attached by ClinVar (database versions not stated): gnomAD exomes 0.00001; ExAC 0.00002; ESP Exome Variant Server 0.00008; gnomAD 0.00009 and 0.00010; TOPMed 0.00015.
gnomAD v4.1: 27 of 1,590,686 alleles (0.0017%); highest among the groups gnomAD compares: African/African-American, 0.031%; no homozygotes.

Submissions (8):

Women's Health and Genetics/Laboratory Corporation of America, LabCorp
Classification: Likely benign. Last evaluated: 2026-01-12. Review status: criteria provided, single submitter. Criteria: LabCorp Variant Classification Summary - May 2015. Collection method: clinical testing. Allele origin: germline.
Comment: Variant summary: RYR2 c.13267A>C (p.Lys4423Gln) results in a conservative amino acid change located in the Ryanodine Receptor TM 4-6 region (IPR009460) of the encoded protein sequence. Algorithms developed to predict the effect of missense changes on protein structure and function are either unavailable or do not agree on the potential impact of this missense change. The variant allele was found at a frequency of 1.7e-05 in 1583706 control chromosomes, predominantly at a frequency of 0.00031 within the African or African-American subpopulation in the gnomAD database. The observed variant frequency within African or African-American control individuals in the gnomAD database exceeds the estimated maximal expected allele frequency for disease-causing variants in RYR2. The variant, c.13267A>C, has been observed in an individual affected with sudden unexplained death (Santori_2015), without evidence for causality. In addition, it was also reported in exome cohorts as a secondary finding (e.g. Ng_2013, Landstrom_2017). These reports do not provide unequivocal conclusions about association of the variant with Arrhythmia. To our knowledge, no experimental evidence demonstrating an impact on protein function has been reported. The following publications have been ascertained in the context of this evaluation (PMID: 23861362, 28404607, 26272908). ClinVar contains an entry for this variant (Variation ID: 191490). Based on the evidence outlined above, the variant was classified as likely benign.

Labcorp Genetics (formerly Invitae), Labcorp
Classification: Likely benign for Catecholaminergic polymorphic ventricular tachycardia 1. Last evaluated: 2025-12-17. Review status: criteria provided, single submitter. Criteria: Invitae Variant Classification Sherloc (09022015). Collection method: clinical testing. Allele origin: germline.

GeneDx
Classification: Uncertain significance. Last evaluated: 2025-05-12. Review status: criteria provided, single submitter. Criteria: GeneDx Variant Classification Process June 2021. Collection method: clinical testing. Allele origin: germline. Affected: yes.
Comment: Reported in a case of sudden infant death syndrome (SIDS) in the published literature (PMID: 26272908); Not observed at significant frequency in large population cohorts (gnomAD); In silico analysis suggests that this missense variant does not alter protein structure/function; Located in one of the three hot-spot regions of the RYR2 gene, where the majority of pathogenic missense variants occur (PMID: 19926015); This variant is associated with the following publications: (PMID: 19926015, 28404607, 23861362, 26272908)

All of Us Research Program, National Institutes of Health
Classification: Uncertain significance for Catecholaminergic polymorphic ventricular tachycardia. Last evaluated: 2024-09-23. Review status: criteria provided, single submitter. Criteria: ACMG Guidelines, 2015. Collection method: clinical testing. Allele origin: germline. Inheritance: Autosomal dominant inheritance. Observed: 10 variant alleles, 9 heterozygotes, 1 hemizygote.
Comment: This missense variant replaces lysine with glutamine at codon 4423 of the RYR2 protein. Computational prediction suggests that this variant may not impact protein structure and function (internally defined REVEL score threshold <= 0.5, PMID: 27666373). To our knowledge, functional studies have not been reported for this variant. This variant has been reported in an individual affected with sudden death (PMID: 26272908). This variant has been identified in 5/243840 chromosomes in the general population by the Genome Aggregation Database (gnomAD). The available evidence is insufficient to determine the role of this variant in disease conclusively. Therefore, this variant is classified as a Variant of Uncertain Significance.

This study involves interpretation of variants in research participants for the purpose of population health screening. Participant phenotype was not available at the time of variant classification. Additional details can be found in publication PMID: 35346344, PMCID: PMC8962531

Blueprint Genetics
Classification: Uncertain significance. Last evaluated: 2024-08-30. Review status: criteria provided, single submitter. Criteria: ACMG Guidelines, 2015. Collection method: clinical testing. Allele origin: germline.

Color Diagnostics, LLC DBA Color Health
Classification: Uncertain significance for Cardiomyopathy. Last evaluated: 2024-07-17. Review status: criteria provided, single submitter. Criteria: ACMG Guidelines, 2015. Collection method: clinical testing. Allele origin: germline.
Comment: This missense variant replaces lysine with glutamine at codon 4423 of the RYR2 protein. Computational prediction suggests that this variant may not impact protein structure and function. To our knowledge, functional studies have not been reported for this variant. This variant has been reported in an individual affected with sudden death (PMID: 26272908). This variant has been identified in 5/243840 chromosomes in the general population by the Genome Aggregation Database (gnomAD). The available evidence is insufficient to determine the role of this variant in disease conclusively. Therefore, this variant is classified as a Variant of Uncertain Significance.

Ambry Genetics
Classification: Uncertain significance for Cardiovascular phenotype. Last evaluated: 2024-02-02. Review status: criteria provided, single submitter. Criteria: Ambry Variant Classification Scheme 2023. Collection method: clinical testing. Allele origin: germline.
Comment: The p.K4423Q variant (also known as c.13267A>C), located in coding exon 91 of the RYR2 gene, results from an A to C substitution at nucleotide position 13267. The lysine at codon 4423 is replaced by glutamine, an amino acid with similar properties. This alteration has been reported in a sudden cardiac death cohort (Santori M et al. Arch. Dis. Child., 2015 Oct;100:952-6). This alteration has also been seen in exome cohorts, but cardiovascular history was not provided (Ng D et al. Circ Cardiovasc Genet, 2013 Aug;6:337-46; Landstrom AP et al. Circ Arrhythm Electrophysiol, 2017 Apr;10:). This amino acid position is well conserved in available vertebrate species. In addition, the in silico prediction for this alteration is inconclusive. Since supporting evidence is limited at this time, the clinical significance of this alteration remains unclear.

Biesecker Lab/Clinical Genomics Section, National Institutes of Health
Classification: Uncertain significance. Last evaluated: 2013-06-24. Review status: criteria provided, single submitter. Criteria: Ng et al. (Circ Cardiovasc Genet. 2013). Collection method: research. Allele origin: unknown. Observed: 1 variant allele. Study: ClinSeq.
Comment: The study set was not selected for affection status in relation to any cancer. Pathogenicity categories were based on literature curation. See Pubmed ID:23861362 for details.

Medical sequencing

Literature cited by the submitters: PubMed 23861362 (cited by Women's Health and Genetics/Laboratory Corporation of America, LabCorp and Ambry Genetics); PubMed 28404607 (cited by Women's Health and Genetics/Laboratory Corporation of America, LabCorp and Ambry Genetics); PubMed 26272908 (cited by 4 submitters).

NM_001035.3(RYR2):c.13267A>C (p.Lys4423Gln)

Gene: RYR2 (ryanodine receptor 2; plus strand). Cytogenetic location: 1q43.
Variant type: single nucleotide variant.
Coding change: c.13267A>C on transcript NM_001035.3 (MANE Select); coding-DNA position 13267, A replaced by C.
Protein change: p.Lys4423Gln; replaces lysine 4423 with glutamine.
Molecular consequence: missense variant.
Genome position (GRCh38, 1-based): chr1:237,785,975, A>C. VCF-style: chr1-237785975-A-C. GRCh37 (hg19) VCF-style: chr1-237949275-A-C.
Other names: c.13267A>C, p.Lys4423Gln (LRG_402t1); short protein forms K4423Q.
Identifiers: ClinVar variation 191490 (VCV000191490.26), dbSNP rs376908332, ClinGen allele CA007852.